The following is an entry in ClinVar:

NM_021614.4(KCNN2):c.1598_1600del (p.Leu533del)

Gene: KCNN2 (potassium calcium-activated channel subfamily N member 2; plus strand). Cytogenetic location: 5q22.3.
Variant type: Deletion.
Coding change: c.1598_1600del on transcript NM_021614.4 (MANE Select); coding-DNA positions 1598 to 1600, 3 bases deleted (TAT; older notation c.1598_1600delTAT).
Protein change: p.Leu533del; deletes leucine 533.
Molecular consequence: inframe deletion.
Genome position (GRCh38, 1-based): chr5:114,404,817-114,404,819, TAT deleted; deleting any 3 consecutive bases within chr5:114,404,815-114,404,819 gives the same sequence; the c. name uses the placement nearest the transcript's 3' end. VCF-style (leftmost placement, unchanged base first): chr5-114404814-CATT-C. GRCh37 (hg19) VCF-style: chr5-113740511-CATT-C.
Other names: c.1796_1798del, p.Leu599del (NM_001372233.1); short protein forms L533del, L599del.
Identifiers: ClinVar variation 521994 (VCV000521994.10), dbSNP rs1554086554, ClinGen allele CA658796621.

ClinVar aggregate classification (germline): Pathogenic/Likely pathogenic. Review status: criteria provided, multiple submitters, no conflicts (2 of 4 stars). 4 submissions from 4 submitters: Pathogenic (2); Likely pathogenic (2). Last evaluated 2025-05-13.

Conditions:
KCNN2-related disorder. Also called: KCNN2-Related Disorders; KCNN2-related condition.
Neurodevelopmental disorder with or without variable movement or behavioral abnormalities (NEDMAB). Identifiers: MedGen C5676908, MONDO:0859225, OMIM 619725.
Inborn genetic diseases. Identifiers: MedGen C0950123, MeSH D030342.
Global developmental delay (DD). Also called: Cognitive delay. Identifiers: HP:0001263, MedGen C0557874. Disease mechanism: loss of function.

Submissions (4):

Institute of Immunology and Genetics Kaiserslautern
Classification: Pathogenic for Neurodevelopmental disorder with or without variable movement or behavioral abnormalities. Last evaluated: 2025-05-13. Review status: criteria provided, single submitter. Criteria: ACMG Guidelines, 2015. Collection method: clinical testing. Allele origin: de novo. Affected: yes.
Comment: ACMG Criteria: PS2, PS3, PM2_P, PM4, PP5; Variant was found in heterozygous state. De novo-status was confirmed via in-house segregation analysis.

PreventionGenetics, part of Exact Sciences
Classification: Likely pathogenic for KCNN2-related condition. Last evaluated: 2023-01-26. Review status: criteria provided, single submitter. Criteria: ACMG Guidelines, 2015. Collection method: clinical testing. Allele origin: germline.
Comment: The KCNN2 c.962_964delTAT variant is predicted to result in an in-frame deletion (p.Leu321del). This variant was reported as de novo in an individual presenting with motor, language, and developmental delay without seizure or movement anomalies (Patient 4 in Mochel et al. 2020. PubMed ID: 33242881). Functional analysis showed that this variant lead to a reduced whole cell current when compared to wildtype KCNN2 (Mochel et al. 2020. PubMed ID: 33242881). This variant has not been reported in a large population database, indicating this variant is rare. Although we suspect that this variant may be pathogenic, at this time, the clinical significance of this variant is uncertain due to the absence of conclusive functional and genetic evidence.

Ambry Genetics
Classification: Likely pathogenic for Inborn genetic diseases. Last evaluated: 2021-06-29. Review status: criteria provided, single submitter. Criteria: Ambry Variant Classification Scheme 2023. Collection method: clinical testing. Allele origin: germline.
Comment: The c.962_964delTAT (p.L321del) alteration is located in coding exon 3 of the KCNN2 gene. This alteration consists of an in-frame deletion of 3 nucleotides at positions 962 and 964, resulting in the deletion of a leucine at amino acid position 321. Based on data from the Genome Aggregation Database (gnomAD), the KCNN2 c.962_964delTAT alteration was not observed, with coverage at this position. The p.L321 amino acid is conserved in available vertebrate species. The p.L321 amino acid is located within the S5 transmembrane alpha helix that forms part of the central pore domain of the KCNN2 (SK2) protein (NCBI). Structrural modeling performed at Ambry Genetics indicates that this deletion will effectively cause all of the amino acids on the helix to be shifted over by one residue placing side chains into the center of the pore and likely blocking it (Long, 2005). The p.L321del alteration is predicted to be highly deleterious with a score of -12.344 by PROVEAN in silico analysis. Based on the available evidence, this alteration is classified as likely pathogenic.

Institute for Human Genetics, University Hospital Essen
Classification: Pathogenic for Global developmental delay. Last evaluated: 2020-07-01. Review status: criteria provided, single submitter. Criteria: ACMG Guidelines, 2015. Collection method: clinical testing. Allele origin: de novo. Affected: yes. Observed: 1 variant allele, 1 heterozygote.

Literature cited by the submitters: PubMed 16002581 (cited by Ambry Genetics).